The following is an entry in ClinVar:

ClinVar aggregate classification (germline): Uncertain significance (0 of 4 stars; one submission).

Allele frequency attached by ClinVar (database versions not stated): gnomAD exomes 0.00002; ExAC 0.00008.

Submission:

Richard Lifton Laboratory, Yale University School of Medicine
Classification: Uncertain significance. Review status: no assertion criteria provided. Collection method: not provided. Allele origin: somatic.
Comment: TRIM8
ClinVar note: Converted during submission from unknown to Uncertain significance.

NM_030912.3(TRIM8):c.1561G>T (p.Val521Phe)

Gene: TRIM8 (tripartite motif containing 8; plus strand). Cytogenetic location: 10q24.32.
Variant type: single nucleotide variant.
Coding change: c.1561G>T on transcript NM_030912.3 (MANE Select); coding-DNA position 1561, G replaced by T.
Protein change: p.Val521Phe; replaces valine 521 with phenylalanine.
Molecular consequence: missense variant. On other transcripts: non-coding transcript variant (1).
Genome position (GRCh38, 1-based): chr10:102,657,259, G>T. VCF-style: chr10-102657259-G-T. GRCh37 (hg19) VCF-style: chr10-104417016-G-T.
Other names: c.1465G>T, p.Val489Phe (NM_001345950.1); short protein forms V521F, V489F.
Identifiers: ClinVar variation 92016 (VCV000092016.2), dbSNP rs386352377, ClinGen allele CA232356.